The following is an entry in ClinVar:

NM_133478.3(SLC4A5):c.1416C>T (p.Ser472=)

Gene: SLC4A5 (solute carrier family 4 member 5; minus strand). Cytogenetic location: 2p13.1.
Variant type: single nucleotide variant.
Coding change: c.1416C>T on transcript NM_133478.3 (MANE Select); coding-DNA position 1416, C replaced by T.
Protein change: p.Ser472=; no amino-acid change (serine 472 retained).
Molecular consequence: synonymous variant.
Genome position (GRCh38, 1-based): chr2:74,252,241, G>A on the plus strand (C>T on the coding strand, the complement: SLC4A5 is on the minus strand). VCF-style: chr2-74252241-G-A. GRCh37 (hg19) VCF-style: chr2-74479368-G-A.
Other names: c.1068C>T, p.Ser356= (NM_001386136.1); c.1416C>T, p.Ser472= (NM_021196.3).
Identifiers: ClinVar variation 2651065 (VCV002651065.24), dbSNP rs145502672, ClinGen allele CA1720800.

ClinVar aggregate classification (germline): Likely benign (1 of 4 stars; one submission).

Allele frequency attached by ClinVar (database versions not stated): 1000 Genomes Project 30x 0.00125; 1000 Genomes Project 0.00140; ExAC 0.00231; TOPMed 0.00238; ESP Exome Variant Server 0.00261; gnomAD 0.00268; gnomAD exomes 0.00379.
gnomAD v4.1: 5,898 of 1,610,864 alleles (0.37%); highest among the groups gnomAD compares: Non-Finnish European, 0.44%; 17 homozygotes.

Submission:

CeGaT Center for Human Genetics Tuebingen
Classification: Likely benign. Last evaluated: 2022-08-01. Review status: criteria provided, single submitter. Criteria: CeGaT Center For Human Genetics Tuebingen Variant Classification Criteria Version 2. Collection method: clinical testing. Allele origin: germline. Affected: yes. Observed: 1 variant allele.
Comment: SLC4A5: BP4, BP7